The following is an entry in ClinVar:

ClinVar aggregate classification (germline): Likely benign. Review status: criteria provided, multiple submitters, no conflicts (2 of 4 stars). 3 submissions from 3 submitters: Likely benign (3). Last evaluated 2024-06-09.

Conditions:
Cardiac arrhythmia. Also called: Arrhythmia; Cardiac rhythm disease. Identifiers: MedGen C0003811, MONDO:0007263, HP:0011675.
Long QT syndrome (LQTS). Identifiers: MedGen C0023976, MeSH D008133, MONDO:0002442. Disease mechanism: loss of function. Inheritance: Various modes of inheritance.

Allele frequency attached by ClinVar (database versions not stated): gnomAD exomes below 0.00001.
gnomAD v4.1: 3 of 1,612,774 alleles (0.00019%); highest among the groups gnomAD compares: Non-Finnish European, 0.00025%; no homozygotes.

Submissions (3):

All of Us Research Program, National Institutes of Health
Classification: Likely benign for Long QT syndrome. Last evaluated: 2024-06-09. Review status: criteria provided, single submitter. Criteria: ACMG Guidelines, 2015. Collection method: clinical testing. Allele origin: germline. Inheritance: Autosomal dominant inheritance. Observed: 1 variant allele, 1 heterozygote.
Comment: This study involves interpretation of variants in research participants for the purpose of population health screening. Participant phenotype was not available at the time of variant classification. Additional details can be found in publication PMID: 35346344, PMCID: PMC8962531

Labcorp Genetics (formerly Invitae), Labcorp
Classification: Likely benign for Long QT syndrome. Last evaluated: 2022-04-05. Review status: criteria provided, single submitter. Criteria: Invitae Variant Classification Sherloc (09022015). Collection method: clinical testing. Allele origin: germline.

Color Diagnostics, LLC DBA Color Health
Classification: Likely benign for Arrhythmia. Last evaluated: 2018-11-30. Review status: criteria provided, single submitter. Criteria: ACMG Guidelines, 2015. Collection method: clinical testing. Allele origin: germline.

NM_000238.4(KCNH2):c.2959C>T (p.Leu987=)

Gene: KCNH2 (potassium voltage-gated channel subfamily H member 2; minus strand). Cytogenetic location: 7q36.1.
Variant type: single nucleotide variant.
Coding change: c.2959C>T on transcript NM_000238.4 (MANE Select); coding-DNA position 2959, C replaced by T.
Protein change: p.Leu987=; no amino-acid change (leucine 987 retained).
Molecular consequence: synonymous variant.
Genome position (GRCh38, 1-based): chr7:150,947,612, G>A on the plus strand (C>T on the coding strand, the complement: KCNH2 is on the minus strand). VCF-style: chr7-150947612-G-A. GRCh37 (hg19) VCF-style: chr7-150644700-G-A.
Other names: c.1939C>T, p.Leu647= (NM_172057.3).
Identifiers: ClinVar variation 919001 (VCV000919001.10), dbSNP rs1800955984, ClinGen allele CA458870770.